The following is an entry in ClinVar:

NM_033004.4(NLRP1):c.4129C>T (p.Gln1377Ter)

Gene: NLRP1 (NLR family pyrin domain containing 1; minus strand). Cytogenetic location: 17p13.2.
Variant type: single nucleotide variant.
Coding change: c.4129C>T on transcript NM_033004.4 (MANE Select); coding-DNA position 4129, C replaced by T.
Protein change: p.Gln1377Ter; replaces glutamine 1377 with a stop codon.
Molecular consequence: nonsense. On other transcripts: intron variant (1).
Genome position (GRCh38, 1-based): chr17:5,515,047, G>A on the plus strand (C>T on the coding strand, the complement: NLRP1 is on the minus strand). VCF-style: chr17-5515047-G-A. GRCh37 (hg19) VCF-style: chr17-5418367-G-A.
Other names: c.3997C>T, p.Gln1333Ter (NM_014922.5); c.4039C>T, p.Gln1347Ter (NM_033006.4); c.3907C>T, p.Gln1303Ter (NM_033007.4); c.4069+2699C>T (NM_001033053.3); short protein forms Q1303*, Q1333*, Q1347*, Q1377*.
Identifiers: ClinVar variation 2416361 (VCV002416361.6), dbSNP rs1223989759, ClinGen allele CA397387501.

ClinVar aggregate classification (germline): Uncertain significance (1 of 4 stars; one submission).

Allele frequency attached by ClinVar (database versions not stated): gnomAD exomes 0.00001; TOPMed 0.00003; gnomAD 0.00004.
gnomAD v4.1: 15 of 1,614,012 alleles (0.00093%); highest among the groups gnomAD compares: Admixed American, 0.0083%; no homozygotes.

Submission:

Labcorp Genetics (formerly Invitae), Labcorp
Classification: Uncertain significance. Last evaluated: 2025-07-02. Review status: criteria provided, single submitter. Criteria: Invitae Variant Classification Sherloc (09022015). Collection method: clinical testing. Allele origin: germline.
Comment: This sequence change creates a premature translational stop signal (p.Gln1377*) in the NLRP1 gene. While this is not anticipated to result in nonsense mediated decay, it is expected to disrupt the last 97 amino acid(s) of the NLRP1 protein. This variant is present in population databases (no rsID available, gnomAD 0.003%). This variant has not been reported in the literature in individuals affected with NLRP1-related conditions. ClinVar contains an entry for this variant (Variation ID: 2416361). Algorithms developed to predict the effect of sequence changes on RNA splicing suggest that this variant may disrupt the consensus splice site. In summary, the available evidence is currently insufficient to determine the role of this variant in disease. Therefore, it has been classified as a Variant of Uncertain Significance.